The following is an entry in ClinVar:

NM_017617.5(NOTCH1):c.3182A>T (p.His1061Leu)

Gene: NOTCH1 (notch receptor 1; minus strand). Cytogenetic location: 9q34.3.
Variant type: single nucleotide variant.
Coding change: c.3182A>T on transcript NM_017617.5 (MANE Select); coding-DNA position 3182, A replaced by T.
Protein change: p.His1061Leu; replaces histidine 1061 with leucine.
Molecular consequence: missense variant.
Genome position (GRCh38, 1-based): chr9:136,508,375, T>A on the plus strand (A>T on the coding strand, the complement: NOTCH1 is on the minus strand). VCF-style: chr9-136508375-T-A. GRCh37 (hg19) VCF-style: chr9-139402827-T-A.
Other names: short protein forms H1061L.
Identifiers: ClinVar variation 3901087 (VCV003901087.1).

ClinVar aggregate classification (germline): Uncertain significance (1 of 4 stars; one submission).

Conditions:
Aortic valve disease 1 (AOVD1). Identifiers: MedGen C3887892, MONDO:0024523, OMIM 109730.
Adams-Oliver syndrome 5 (AOS5). Identifiers: Orphanet 974, MedGen C4014970, MONDO:0014459, OMIM 616028.

Submission:

Institute of Human Genetics, University of Goettingen
Classification: Uncertain significance for Adams-Oliver syndrome 5; Aortic valve disease 1. Last evaluated: 2025-01-06. Review status: criteria provided, single submitter. Criteria: ACMG Guidelines, 2015. Collection method: clinical testing. Allele origin: de novo. Inheritance: Autosomal dominant inheritance. Affected: yes.
Comment: The variant c.3182A>T (p.(His1061Leu)) in exon 20 of the NOTCH1-gene is not found in the gnomAD database, it affects a weakly conserved nucleotide, and a weakly conserved amino acid and there is a moderate physicochemical difference between His and Leu. This variant has a benign computational verdict based on in silico prediction algorithms. ACMG criteria used for classification: PS2, PM2_sup, PP2, BP4.